The following is an entry in ClinVar:

NM_002875.5(RAD51):c.859A>G (p.Ile287Val)

Gene: RAD51 (RAD51 recombinase; plus strand). Cytogenetic location: 15q15.1.
Variant type: single nucleotide variant.
Coding change: c.859A>G on transcript NM_002875.5 (MANE Select); coding-DNA position 859, A replaced by G.
Protein change: p.Ile287Val; replaces isoleucine 287 with valine.
Molecular consequence: missense variant. On other transcripts: intron variant (1).
Genome position (GRCh38, 1-based): chr15:40,729,937, A>G. VCF-style: chr15-40729937-A-G. GRCh37 (hg19) VCF-style: chr15-41022135-A-G.
Other names: c.862A>G, p.Ile288Val (NM_133487.4, NM_001164269.2); c.774+303A>G (NM_001164270.2); short protein forms I287V, I288V.
Identifiers: ClinVar variation 2152222 (VCV002152222.4), dbSNP rs1429537575, ClinGen allele CA391760103.

ClinVar aggregate classification (germline): Uncertain significance (1 of 4 stars; one submission).

Allele frequency attached by ClinVar (database versions not stated): gnomAD 0.00001; gnomAD exomes 0.00001; TOPMed 0.00002.
gnomAD v4.1: 19 of 1,614,020 alleles (0.0012%); highest among the groups gnomAD compares: Admixed American, 0.015%; no homozygotes.

Submission:

Labcorp Genetics (formerly Invitae), Labcorp
Classification: Uncertain significance. Last evaluated: 2023-09-12. Review status: criteria provided, single submitter. Criteria: Invitae Variant Classification Sherloc (09022015). Collection method: clinical testing. Allele origin: germline.
Comment: In summary, the available evidence is currently insufficient to determine the role of this variant in disease. Therefore, it has been classified as a Variant of Uncertain Significance. Advanced modeling of protein sequence and biophysical properties (such as structural, functional, and spatial information, amino acid conservation, physicochemical variation, residue mobility, and thermodynamic stability) performed at Invitae indicates that this missense variant is not expected to disrupt RAD51 protein function. ClinVar contains an entry for this variant (Variation ID: 2152222). This variant has not been reported in the literature in individuals affected with RAD51-related conditions. This variant is present in population databases (no rsID available, gnomAD 0.02%). This sequence change replaces isoleucine, which is neutral and non-polar, with valine, which is neutral and non-polar, at codon 287 of the RAD51 protein (p.Ile287Val).